The following is an entry in ClinVar:

ClinVar aggregate classification (germline): Pathogenic (1 of 4 stars; one submission).

gnomAD v4.1: 1 of 1,613,730 alleles (0.000062%); highest among the groups gnomAD compares: Non-Finnish European, 0.000085%; no homozygotes.

Submission:

CeGaT Center for Human Genetics Tuebingen
Classification: Pathogenic. Last evaluated: 2025-10-01. Review status: criteria provided, single submitter. Criteria: CeGaT Center For Human Genetics Tuebingen Variant Classification Criteria Version 2. Collection method: clinical testing. Allele origin: germline. Affected: yes. Observed: 1 variant allele.
Comment: TNRC6B: PVS1, PM2, PS4:Supporting

NM_001162501.2(TNRC6B):c.3343C>T (p.Arg1115Ter)

Gene: TNRC6B (trinucleotide repeat containing adaptor 6B; plus strand). Cytogenetic location: 22q13.1.
Variant type: single nucleotide variant.
Coding change: c.3343C>T on transcript NM_001162501.2 (MANE Select); coding-DNA position 3343, C replaced by T.
Protein change: p.Arg1115Ter; replaces arginine 1115 with a stop codon.
Molecular consequence: nonsense.
Genome position (GRCh38, 1-based): chr22:40,280,075, C>T. VCF-style: chr22-40280075-C-T. GRCh37 (hg19) VCF-style: chr22-40676079-C-T.
Other names: c.3184C>T, p.Arg1062Ter (NM_015088.3); c.1102C>T, p.Arg368Ter (NM_001024843.2); short protein forms R1062*, R1115*, R368*.
Identifiers: ClinVar variation 4534625 (VCV004534625.6).